The following is an entry in ClinVar:

ClinVar aggregate classification (germline): Uncertain significance. Review status: criteria provided, multiple submitters, no conflicts (2 of 4 stars). 2 submissions from 2 submitters: Uncertain significance (2). Last evaluated 2024-07-13.

Conditions:
Familial adenomatous polyposis 1 (FAP1). Also called: POLYPOSIS, ADENOMATOUS INTESTINAL; FAMILIAL ADENOMATOUS POLYPOSIS 1, ATTENUATED. Identifiers: MedGen C2713442, MONDO:0021056, OMIM 175100. Disease mechanism: loss of function.
Hereditary cancer-predisposing syndrome. Also called: Neoplastic Syndromes, Hereditary; Hereditary Cancer Syndrome; Hereditary neoplastic syndrome; Tumor predisposition. Identifiers: Orphanet 140162, MedGen C0027672, MeSH D009386, MONDO:0015356.

Submissions (2):

Ambry Genetics
Classification: Uncertain significance for Hereditary cancer-predisposing syndrome. Last evaluated: 2024-07-13. Review status: criteria provided, single submitter. Criteria: Ambry Variant Classification Scheme 2023. Collection method: clinical testing. Allele origin: germline.
Comment: The p.R1695T variant (also known as c.5084G>C), located in coding exon 15 of the APC gene, results from a G to C substitution at nucleotide position 5084. The arginine at codon 1695 is replaced by threonine, an amino acid with similar properties. This amino acid position is conserved. In addition, in silico predictors for this gene do not accurately predict pathogenicity. Based on the available evidence, the clinical significance of this variant remains unclear.

Labcorp Genetics (formerly Invitae), Labcorp
Classification: Uncertain significance for Familial adenomatous polyposis 1. Last evaluated: 2021-02-18. Review status: criteria provided, single submitter. Criteria: Invitae Variant Classification Sherloc (09022015). Collection method: clinical testing. Allele origin: germline.
Comment: This variant is not present in population databases (ExAC no frequency). This variant has not been reported in the literature in individuals with APC-related conditions. Algorithms developed to predict the effect of missense changes on protein structure and function (SIFT, PolyPhen-2, Align-GVGD) all suggest that this variant is likely to be tolerated, but these predictions have not been confirmed by published functional studies and their clinical significance is uncertain. In summary, the available evidence is currently insufficient to determine the role of this variant in disease. Therefore, it has been classified as a Variant of Uncertain Significance. This sequence change replaces arginine with threonine at codon 1695 of the APC protein (p.Arg1695Thr). The arginine residue is highly conserved and there is a moderate physicochemical difference between arginine and threonine.

NM_000038.6(APC):c.5084G>C (p.Arg1695Thr)

Gene: APC (APC regulator of Wnt signaling pathway; plus strand). Cytogenetic location: 5q22.2.
Variant type: single nucleotide variant.
Coding change: c.5084G>C on transcript NM_000038.6 (MANE Select); coding-DNA position 5084, G replaced by C.
Protein change: p.Arg1695Thr; replaces arginine 1695 with threonine.
Molecular consequence: missense variant.
Genome position (GRCh38, 1-based): chr5:112,840,678, G>C. VCF-style: chr5-112840678-G-C. GRCh37 (hg19) VCF-style: chr5-112176375-G-C.
Other names: c.5084G>C, p.Arg1695Thr (NM_001127510.3, NM_001354895.2); c.5030G>C, p.Arg1677Thr (NM_001127511.3); c.5138G>C, p.Arg1713Thr (NM_001354896.2); c.5114G>C, p.Arg1705Thr (NM_001354897.2); c.5009G>C, p.Arg1670Thr (NM_001354898.2); c.5000G>C, p.Arg1667Thr (NM_001354899.2); c.4961G>C, p.Arg1654Thr (NM_001354900.2); c.4907G>C, p.Arg1636Thr (NM_001354901.2); and 6 more; short protein forms R1594T, R1604T, R1705T, R1713T, R1677T, R1412T, R1569T, R1636T.
Identifiers: ClinVar variation 1421607 (VCV001421607.9), dbSNP rs2149931607, ClinGen allele CA16032445.